The following is an entry in ClinVar:

ClinVar aggregate classification (germline): Uncertain significance. Review status: criteria provided, multiple submitters, no conflicts (2 of 4 stars). 2 submissions from 2 submitters: Uncertain significance (2). Last evaluated 2024-01-22.

Conditions:
Inborn genetic diseases. Identifiers: MedGen C0950123, MeSH D030342.

Allele frequency attached by ClinVar (database versions not stated): gnomAD 0.00001; TOPMed 0.00001.
gnomAD v4.1: 1 of 1,612,350 alleles (0.000062%); highest among the groups gnomAD compares: Admixed American, 0.0017%; no homozygotes.

Submissions (2):

Ambry Genetics
Classification: Uncertain significance for Inborn genetic diseases. Last evaluated: 2024-01-22. Review status: criteria provided, single submitter. Criteria: Ambry Variant Classification Scheme 2023. Collection method: clinical testing. Allele origin: germline.

Labcorp Genetics (formerly Invitae), Labcorp
Classification: Uncertain significance. Last evaluated: 2022-04-20. Review status: criteria provided, single submitter. Criteria: Invitae Variant Classification Sherloc (09022015). Collection method: clinical testing. Allele origin: germline.
Comment: This sequence change replaces aspartic acid, which is acidic and polar, with glycine, which is neutral and non-polar, at codon 223 of the ALDH3A2 protein (p.Asp223Gly). This variant is not present in population databases (gnomAD no frequency). This variant has not been reported in the literature in individuals affected with ALDH3A2-related conditions. Advanced modeling of protein sequence and biophysical properties (such as structural, functional, and spatial information, amino acid conservation, physicochemical variation, residue mobility, and thermodynamic stability) performed at Invitae indicates that this missense variant is not expected to disrupt ALDH3A2 protein function. In summary, the available evidence is currently insufficient to determine the role of this variant in disease. Therefore, it has been classified as a Variant of Uncertain Significance.

NM_000382.3(ALDH3A2):c.668A>G (p.Asp223Gly)

Gene: ALDH3A2 (aldehyde dehydrogenase 3 family member A2; plus strand). Cytogenetic location: 17p11.2.
Variant type: single nucleotide variant.
Coding change: c.668A>G on transcript NM_000382.3 (MANE Select); coding-DNA position 668, A replaced by G.
Protein change: p.Asp223Gly; replaces aspartic acid 223 with glycine.
Molecular consequence: missense variant.
Genome position (GRCh38, 1-based): chr17:19,656,562, A>G. VCF-style: chr17-19656562-A-G. GRCh37 (hg19) VCF-style: chr17-19559875-A-G.
Other names: c.668A>G, p.Asp223Gly (NM_001031806.2, NM_001369136.1, NM_001369137.2 and 3 more transcripts); c.89A>G, p.Asp30Gly (NM_001369148.2); c.668A>G (NM_000382.2); short protein forms D223G, D30G.
Identifiers: ClinVar variation 2150628 (VCV002150628.2), dbSNP rs967751381, ClinGen allele CA288544383.
Genomic context (GRCh38, chr17:19,656,562, plus strand): 5'-CTGTGACTCTTGAACTGGGAGGGAAAAGTCCATGTTATATTGATAAAGATTGTGACCTGG[A>G]CATTGTTTGCAGGTGAGTCTGGCTCTCTGATTTTCTGAGGTTTTCCCAGCACAATGGAGA-3'
Protein context (NP_000373.1, residues 213-233): PCYIDKDCDL[Asp223Gly]IVCRRITWGK